The following is an entry in ClinVar:

ClinVar aggregate classification (germline): Uncertain significance. Review status: criteria provided, multiple submitters, no conflicts (2 of 4 stars). 2 submissions from 2 submitters: Uncertain significance (2). Last evaluated 2025-12-04.

Conditions:
Inborn genetic diseases. Identifiers: MedGen C0950123, MeSH D030342.
PKD1L1-related disorder. Also called: PKD1L1-related condition.

Allele frequency attached by ClinVar (database versions not stated): ExAC 0.00003; gnomAD 0.00005; ESP Exome Variant Server 0.00008.
gnomAD v4.1: 77 of 1,613,690 alleles (0.0048%); highest among the groups gnomAD compares: Non-Finnish European, 0.0055%; no homozygotes.

Submissions (2):

PreventionGenetics, part of Exact Sciences
Classification: Uncertain significance for PKD1L1-related condition. Last evaluated: 2025-12-04. Review status: criteria provided, single submitter. Criteria: ACMG Guidelines, 2015. Collection method: clinical testing. Allele origin: germline.
Comment: The PKD1L1 c.5401G>A variant is predicted to result in the amino acid substitution p.Val1801Ile. To our knowledge, this variant has not been reported in the literature. This variant is reported in 0.0080% of alleles in individuals of African descent in gnomAD. At this time, the clinical significance of this variant is uncertain due to the absence of conclusive functional and genetic evidence.

Ambry Genetics
Classification: Uncertain significance for Inborn genetic diseases. Last evaluated: 2025-06-06. Review status: criteria provided, single submitter. Criteria: Ambry Variant Classification Scheme 2023. Collection method: clinical testing. Allele origin: germline.

NM_138295.5(PKD1L1):c.5401G>A (p.Val1801Ile)

Gene: PKD1L1 (polycystin 1 like 1, transient receptor potential channel interacting; minus strand). Cytogenetic location: 7p12.3.
Variant type: single nucleotide variant.
Coding change: c.5401G>A on transcript NM_138295.5 (MANE Select); coding-DNA position 5401, G replaced by A.
Protein change: p.Val1801Ile; replaces valine 1801 with isoleucine.
Molecular consequence: missense variant.
Genome position (GRCh38, 1-based): chr7:47,843,006, C>T on the plus strand (G>A on the coding strand, the complement: PKD1L1 is on the minus strand). VCF-style: chr7-47843006-C-T. GRCh37 (hg19) VCF-style: chr7-47882604-C-T.
Other names: short protein forms V1801I.
Identifiers: ClinVar variation 2408437 (VCV002408437.4), dbSNP rs375771037, ClinGen allele CA4252852.
Genomic context (GRCh38, chr7:47,843,006, plus strand): 5'-CAGATGCTCGAGCTACCTTTGAGGTCAACCTGGCCGGAGCTCGGAAGCCAGTGTCAATGA[C>T]GACCGCATATAGCTGATGGCCCGGCAGGGAAGCTTCTTGCAGAAAGATGTAACCAGCTTT-3'
Protein context (NP_612152.1, residues 1791-1811): SLPGHQLYAV[Val1801Ile]IDTGFRAPAR